The following is an entry in ClinVar:

NM_001089.3(ABCA3):c.3286_3287del (p.Lys1096fs)

Gene: ABCA3 (ATP binding cassette subfamily A member 3; minus strand). Cytogenetic location: 16p13.3.
Variant type: Deletion.
Coding change: c.3286_3287del on transcript NM_001089.3 (MANE Select); coding-DNA positions 3286 to 3287, 2 bases deleted (AA; older notation c.3286_3287delAA).
Protein change: p.Lys1096fs; shifts the reading frame from lysine 1096.
Molecular consequence: frameshift variant.
Genome position (GRCh38, 1-based): chr16:2,285,638-2,285,639, TT deleted on the plus strand (AA on the coding strand, the reverse complement: ABCA3 is on the minus strand). VCF-style (leftmost placement, unchanged base first): chr16-2285637-CTT-C. GRCh37 (hg19) VCF-style: chr16-2335638-CTT-C.
Other names: short protein forms K1096fs.
Identifiers: ClinVar variation 5003977 (VCV005003977.1).

ClinVar aggregate classification (germline): Pathogenic (1 of 4 stars; one submission).

Conditions:
Interstitial lung disease due to ABCA3 deficiency. Also called: PULMONARY ALVEOLAR PROTEINOSIS, CONGENITAL, 3. Identifiers: Orphanet 440402, MedGen C1970456, MONDO:0012582, OMIM 610921.

Submission:

Myriad Genetics, Inc.
Classification: Pathogenic for Interstitial lung disease due to ABCA3 deficiency. Last evaluated: 2025-11-24. Review status: criteria provided, single submitter. Criteria: Myriad Autosomal Dominant, Autosomal Recessive and X-Linked Classification Criteria (2023). Collection method: clinical testing. Allele origin: unknown.
Comment: NM_001089.2(ABCA3):c.3286_3287delAA(K1096Gfs*69) is a frameshift variant classified as pathogenic in the context of surfactant deficiency, ABCA3-related. K1096Gfs*69 has not been observed in cases with relevant disease. Relevant functional assessments of this variant are not available in the literature. K1096Gfs*69 has not been observed in referenced population frequency databases. In summary, NM_001089.2(ABCA3):c.3286_3287delAA(K1096Gfs*69) is a frameshift variant in a gene where loss of function is a known mechanism of disease and is predicted to disrupt protein function. Please note: this variant was assessed in the context of healthy population screening.